The following is an entry in ClinVar:

ClinVar aggregate classification (germline): Uncertain significance (1 of 4 stars; one submission).

Allele frequency attached by ClinVar (database versions not stated): TOPMed below 0.00001; ExAC 0.00001; gnomAD 0.00001; gnomAD exomes 0.00004.
gnomAD v4.1: 21 of 1,614,082 alleles (0.0013%); highest among the groups gnomAD compares: East Asian, 0.047%; no homozygotes.

Submission:

Labcorp Genetics (formerly Invitae), Labcorp
Classification: Uncertain significance. Last evaluated: 2024-08-30. Review status: criteria provided, single submitter. Criteria: Invitae Variant Classification Sherloc (09022015). Collection method: clinical testing. Allele origin: germline.
Comment: This sequence change replaces isoleucine, which is neutral and non-polar, with leucine, which is neutral and non-polar, at codon 87 of the TAB2 protein (p.Ile87Leu). This variant is present in population databases (rs755555012, gnomAD 0.06%). This variant has not been reported in the literature in individuals affected with TAB2-related conditions. ClinVar contains an entry for this variant (Variation ID: 1473981). Invitae Evidence Modeling of protein sequence and biophysical properties (such as structural, functional, and spatial information, amino acid conservation, physicochemical variation, residue mobility, and thermodynamic stability) indicates that this missense variant is not expected to disrupt TAB2 protein function with a negative predictive value of 80%. In summary, the available evidence is currently insufficient to determine the role of this variant in disease. Therefore, it has been classified as a Variant of Uncertain Significance.

NM_001292034.3(TAB2):c.259A>C (p.Ile87Leu)

Gene: TAB2 (TGF-beta activated kinase 1 (MAP3K7) binding protein 2; plus strand). Cytogenetic location: 6q25.1.
Variant type: single nucleotide variant.
Coding change: c.259A>C on transcript NM_001292034.3 (MANE Select); coding-DNA position 259, A replaced by C.
Protein change: p.Ile87Leu; replaces isoleucine 87 with leucine.
Molecular consequence: missense variant.
Genome position (GRCh38, 1-based): chr6:149,378,174, A>C. VCF-style: chr6-149378174-A-C. GRCh37 (hg19) VCF-style: chr6-149699310-A-C.
Other names: c.163A>C, p.Ile55Leu (NM_001292035.3); c.259A>C, p.Ile87Leu (NM_001369506.1, NM_015093.6); short protein forms I87L, I55L.
Identifiers: ClinVar variation 1473981 (VCV001473981.6), dbSNP rs755555012, ClinGen allele CA4041373.